The following is an entry in ClinVar:

NM_000338.3(SLC12A1):c.528G>C (p.Lys176Asn)

Gene: SLC12A1 (solute carrier family 12 member 1; plus strand). Cytogenetic location: 15q21.1.
Variant type: single nucleotide variant.
Coding change: c.528G>C on transcript NM_000338.3 (MANE Select); coding-DNA position 528, G replaced by C.
Protein change: p.Lys176Asn; replaces lysine 176 with asparagine.
Molecular consequence: missense variant.
Genome position (GRCh38, 1-based): chr15:48,220,741, G>C. VCF-style: chr15-48220741-G-C. GRCh37 (hg19) VCF-style: chr15-48512938-G-C.
Other names: c.528G>C, p.Lys176Asn (NM_001184832.2, NM_001384136.1); short protein forms K176N.
Identifiers: ClinVar variation 1428337 (VCV001428337.6), dbSNP rs761576255, ClinGen allele CA7546780.
Genomic context (GRCh38, chr15:48,220,741, plus strand): 5'-TGGGATACCTGGAGATGAACAAGCTGAAAATAAGGAAGATGATCAAGCTGGTGTTGTGAA[G>C]TTTGGATGGGTGAAAGGTGTGCTGGTGAGAAAGCTCTTCTGTTTACAAATGAAAACTATC-3'
Protein context (NP_000329.2, residues 166-186): NKEDDQAGVV[Lys176Asn]FGWVKGVLVR

ClinVar aggregate classification (germline): Uncertain significance. Review status: criteria provided, multiple submitters, no conflicts (2 of 4 stars). 2 submissions from 2 submitters: Uncertain significance (2). Last evaluated 2024-04-17.

Conditions:
Bartter disease type 1. Also called: Bartter syndrome, type 1, antenatal; Bartter Syndrome type 1; HYPERPROSTAGLANDIN E SYNDROME 1; HYPOKALEMIC ALKALOSIS WITH HYPERCALCIURIA 1, ANTENATAL. Identifiers: Orphanet 112, Orphanet 620217, MedGen C1866495, MONDO:0100344, OMIM 601678, MONDO:0011127.

Allele frequency attached by ClinVar (database versions not stated): ExAC 0.00001; gnomAD 0.00001; gnomAD exomes 0.00001; TOPMed 0.00001.
gnomAD v4.1: 32 of 1,613,844 alleles (0.002%); highest among the groups gnomAD compares: Non-Finnish European, 0.0026%; no homozygotes.

Submissions (2):

Fulgent Genetics
Classification: Uncertain significance for Bartter disease type 1. Last evaluated: 2024-04-17. Review status: criteria provided, single submitter. Criteria: ACMG Guidelines, 2015. Collection method: clinical testing. Allele origin: germline.

Labcorp Genetics (formerly Invitae), Labcorp
Classification: Uncertain significance. Last evaluated: 2021-09-01. Review status: criteria provided, single submitter. Criteria: Invitae Variant Classification Sherloc (09022015). Collection method: clinical testing. Allele origin: germline.
Comment: This sequence change replaces lysine with asparagine at codon 176 of the SLC12A1 protein (p.Lys176Asn). The lysine residue is highly conserved and there is a moderate physicochemical difference between lysine and asparagine. This variant is present in population databases (rs761576255, ExAC 0.002%). This variant has not been reported in the literature in individuals affected with SLC12A1-related conditions. Algorithms developed to predict the effect of missense changes on protein structure and function (SIFT, PolyPhen-2, Align-GVGD) all suggest that this variant is likely to be disruptive. In summary, the available evidence is currently insufficient to determine the role of this variant in disease. Therefore, it has been classified as a Variant of Uncertain Significance.